The following is an entry in ClinVar:

NM_017934.7(PHIP):c.4909A>C (p.Arg1637=)

Genes: IRAK1BP1 (interleukin 1 receptor associated kinase 1 binding protein 1; plus strand), PHIP (PHIP subunit of CUL4-Ring ligase complex; minus strand). Cytogenetic location: 6q14.1.
Variant type: single nucleotide variant.
Coding change: c.4909A>C on transcript NM_017934.7 (MANE Select); coding-DNA position 4909, A replaced by C.
Protein change: p.Arg1637=; no amino-acid change (arginine 1637 retained).
Molecular consequence: synonymous variant.
Genome position (GRCh38, 1-based): chr6:78,941,250, T>G on the plus strand (A>C on the coding strand, the complement: PHIP is on the minus strand). VCF-style: chr6-78941250-T-G. GRCh37 (hg19) VCF-style: chr6-79650967-T-G.
Identifiers: ClinVar variation 3353660 (VCV003353660.1).
Genomic context (GRCh38, chr6:78,941,250, plus strand): 5'-TGTGTATAATTTCACCACTATTGGTATTAACTTCTACTTTAGGTTTCCTTCCAGGTCCCC[T>G]CTTCACAAGTTTTGATGGCTGTCCTCCATGGCCATTTACTTGAATGGTTCCTGGTACAAG-3'
Protein context (NP_060404.4, residues 1627-1647): HGGQPSKLVK[Arg1637=]GPGRKPKVEV

ClinVar aggregate classification (germline): Likely benign (0 of 4 stars; one submission).

Conditions:
PHIP-related disorder. Also called: PHIP-related condition; PHIP-related disorders.

Submission:

PreventionGenetics, part of Exact Sciences
Classification: Likely benign for PHIP-related condition. Last evaluated: 2022-04-22. Review status: no assertion criteria provided. Collection method: clinical testing. Allele origin: germline.
Comment: This variant is classified as likely benign based on ACMG/AMP sequence variant interpretation guidelines (Richards et al. 2015 PMID: 25741868, with internal and published modifications).